The following is an entry in ClinVar:

ClinVar aggregate classification (germline): Uncertain significance (1 of 4 stars; one submission).

Submission:

Labcorp Genetics (formerly Invitae), Labcorp
Classification: Uncertain significance. Last evaluated: 2022-08-16. Review status: criteria provided, single submitter. Criteria: Invitae Variant Classification Sherloc (09022015). Collection method: clinical testing. Allele origin: germline.
Comment: In summary, the available evidence is currently insufficient to determine the role of this variant in disease. Therefore, it has been classified as a Variant of Uncertain Significance. Algorithms developed to predict the effect of missense changes on protein structure and function (SIFT, PolyPhen-2, Align-GVGD) all suggest that this variant is likely to be tolerated. This variant has not been reported in the literature in individuals affected with RAB3GAP1-related conditions. This variant is not present in population databases (gnomAD no frequency). This sequence change replaces threonine, which is neutral and polar, with alanine, which is neutral and non-polar, at codon 283 of the RAB3GAP1 protein (p.Thr283Ala).

NM_012233.3(RAB3GAP1):c.847A>G (p.Thr283Ala)

Gene: RAB3GAP1 (RAB3 GTPase activating protein catalytic subunit 1; plus strand). Cytogenetic location: 2q21.3.
Variant type: single nucleotide variant.
Coding change: c.847A>G on transcript NM_012233.3 (MANE Select); coding-DNA position 847, A replaced by G.
Protein change: p.Thr283Ala; replaces threonine 283 with alanine.
Molecular consequence: missense variant.
Genome position (GRCh38, 1-based): chr2:135,126,197, A>G. VCF-style: chr2-135126197-A-G. GRCh37 (hg19) VCF-style: chr2-135883767-A-G.
Other names: c.847A>G, p.Thr283Ala (NM_001172435.2); short protein forms T283A.
Identifiers: ClinVar variation 2121248 (VCV002121248.4), dbSNP rs2468203743, ClinGen allele CA348568419.